The following is an entry in ClinVar:

NM_001348716.2(KDM6B):c.2782G>A (p.Val928Met)

Gene: KDM6B (lysine demethylase 6B; plus strand). Cytogenetic location: 17p13.1.
Variant type: single nucleotide variant.
Coding change: c.2782G>A on transcript NM_001348716.2 (MANE Select); coding-DNA position 2782, G replaced by A.
Protein change: p.Val928Met; replaces valine 928 with methionine.
Molecular consequence: missense variant.
Genome position (GRCh38, 1-based): chr17:7,849,070, G>A. VCF-style: chr17-7849070-G-A. GRCh37 (hg19) VCF-style: chr17-7752388-G-A.
Other names: c.2782G>A, p.Val928Met (NM_001080424.2); short protein forms V928M.
Identifiers: ClinVar variation 3769885 (VCV003769885.1).
Genomic context (GRCh38, chr17:7,849,070, plus strand): 5'-CGCTCTGAGTCTGAGGTGCTAGAAGAGATCAGCCGGGCTTGCGAGACCCTTGTGGAGCGG[G>A]TGGGCCGGAGTGCCACTGACCCAGCCGACCCAGTGGACACAGCAGAGCCAGCGGACAGTG-3'
Protein context (NP_001335645.1, residues 918-938): SRACETLVER[Val928Met]GRSATDPADP

ClinVar aggregate classification (germline): Uncertain significance (1 of 4 stars; one submission).

gnomAD v4.1: 3 of 1,612,364 alleles (0.00019%); highest among the groups gnomAD compares: Non-Finnish European, 0.00017%; no homozygotes.

Submission:

GeneDx
Classification: Uncertain significance. Last evaluated: 2024-09-17. Review status: criteria provided, single submitter. Criteria: GeneDx Variant Classification Process June 2021. Collection method: clinical testing. Allele origin: germline. Affected: yes.
Comment: Not observed at significant frequency in large population cohorts (gnomAD); In silico analysis indicates that this missense variant does not alter protein structure/function; Has not been previously published as pathogenic or benign to our knowledge